The following is an entry in ClinVar:

ClinVar aggregate classification (germline): Conflicting classifications of pathogenicity. Review status: criteria provided, conflicting classifications (1 of 4 stars). 6 submissions from 6 submitters: Uncertain significance (1); Likely benign (4). 1 of the submissions does not count toward it. Last evaluated 2026-01-24.

Conditions:
ZNF469-related disorder. Also called: ZNF469-related condition.
Cardiovascular phenotype. Identifiers: MedGen CN230736.
Ehlers-Danlos syndrome (EDS). Identifiers: Orphanet 98249, MedGen C0013720, MONDO:0020066.

Allele frequency attached by ClinVar (database versions not stated): gnomAD exomes 0.00002 and 0.00010; TOPMed 0.00005; gnomAD 0.00007 and 0.00008.
gnomAD v4.1: 154 of 1,549,830 alleles (0.0099%); highest among the groups gnomAD compares: Non-Finnish European, 0.013%; no homozygotes.

Submissions (6):

Labcorp Genetics (formerly Invitae), Labcorp
Classification: Likely benign. Last evaluated: 2026-01-24. Review status: criteria provided, single submitter. Criteria: Invitae Variant Classification Sherloc (09022015). Collection method: clinical testing. Allele origin: germline.

Women's Health and Genetics/Laboratory Corporation of America, LabCorp
Classification: Likely benign. Last evaluated: 2024-12-23. Review status: criteria provided, single submitter. Criteria: LabCorp Variant Classification Summary - May 2015. Collection method: clinical testing. Allele origin: germline.

Genome Diagnostics Laboratory, The Hospital for Sick Children
Classification: Uncertain significance for Ehlers-Danlos syndrome. Last evaluated: 2020-04-01. Review status: criteria provided, single submitter. Criteria: ACMG Guidelines, 2015. Collection method: clinical testing. Allele origin: germline.

Ambry Genetics
Classification: Likely benign for Cardiovascular phenotype. Last evaluated: 2020-01-27. Review status: criteria provided, single submitter. Criteria: Ambry Variant Classification Scheme 2023. Collection method: clinical testing. Allele origin: germline.

GeneDx
Classification: Likely benign. Last evaluated: 2019-11-14. Review status: criteria provided, single submitter. Criteria: GeneDx Variant Classification Process June 2021. Collection method: clinical testing. Allele origin: germline. Affected: yes.

PreventionGenetics, part of Exact Sciences
Classification: Likely benign for ZNF469-related condition. Last evaluated: 2019-05-09. Review status: no assertion criteria provided. Collection method: clinical testing. Allele origin: germline. Not counted in ClinVar's aggregate classification.
Comment: This variant is classified as likely benign based on ACMG/AMP sequence variant interpretation guidelines (Richards et al. 2015 PMID: 25741868, with internal and published modifications).

NM_001367624.2(ZNF469):c.609C>A (p.Pro203=)

Gene: ZNF469 (zinc finger protein 469; plus strand). Cytogenetic location: 16q24.2.
Variant type: single nucleotide variant.
Coding change: c.609C>A on transcript NM_001367624.2 (MANE Select); coding-DNA position 609, C replaced by A.
Protein change: p.Pro203=; no amino-acid change (proline 203 retained).
Molecular consequence: synonymous variant.
Genome position (GRCh38, 1-based): chr16:88,428,079, C>A. VCF-style: chr16-88428079-C-A. GRCh37 (hg19) VCF-style: chr16-88494487-C-A.
Other names: NM_001127464.1:c.609C>A; NM_001127464.2:c.609C>A.
Identifiers: ClinVar variation 320854 (VCV000320854.19), dbSNP rs886052390, ClinGen allele CA10648254.